The following is an entry in ClinVar:

NM_000548.5(TSC2):c.718A>C (p.Ile240Leu)

Gene: TSC2 (TSC complex subunit 2; plus strand). Cytogenetic location: 16p13.3.
Variant type: single nucleotide variant.
Coding change: c.718A>C on transcript NM_000548.5 (MANE Select); coding-DNA position 718, A replaced by C.
Protein change: p.Ile240Leu; replaces isoleucine 240 with leucine.
Molecular consequence: missense variant. On other transcripts: 5 prime UTR variant (10), non-coding transcript variant (5).
Genome position (GRCh38, 1-based): chr16:2,056,713, A>C. VCF-style: chr16-2056713-A-C. GRCh37 (hg19) VCF-style: chr16-2106714-A-C.
Other names: c.718A>C, p.Ile240Leu (NM_001077183.3, NM_001114382.3, NM_001363528.2 and 6 more transcripts); c.607A>C, p.Ile203Leu (NM_001318827.2, NM_001406670.1, NM_001406678.1); c.571A>C, p.Ile191Leu (NM_001318829.2, NM_001406679.1, NM_001406675.1 and 1 more transcripts); c.118A>C, p.Ile40Leu (NM_001318831.2, NM_001406680.1, NM_001406682.1 and 6 more transcripts); c.751A>C, p.Ile251Leu (NM_001318832.2); c.256A>C, p.Ile86Leu (NM_001406681.1); c.-714A>C (NM_001406689.1, NM_001406690.1, NM_001406691.1 and 4 more transcripts); c.-595A>C (NM_001406694.1, NM_001406695.1); and 4 more; short protein forms I236L, I251L, I221L, I86L, I203L, I240L, I191L, I270L.
Identifiers: ClinVar variation 2771867 (VCV002771867.3), dbSNP rs796053482, ClinGen allele CA394312723.
Genomic context (GRCh38, chr16:2,056,713, plus strand): 5'-CAGGTGCTGGACGCCGTGGTCTGCTACAACTGCCTGCCGGCTGAGAGCCTCCCGCTGTTC[A>C]TCGTTACCCTCTGTCGCACCATCAACGTCAAGGAGCTCTGCGAGCCTTGCTGGAAGGTGG-3'
Protein context (NP_000539.2, residues 230-250): CLPAESLPLF[Ile240Leu]VTLCRTINVK

ClinVar aggregate classification (germline): Uncertain significance (1 of 4 stars; one submission).

Conditions:
Tuberous sclerosis 2 (TSC2). Identifiers: Orphanet 805, MedGen C1860707, MONDO:0013199, OMIM 613254.

Submission:

Labcorp Genetics (formerly Invitae), Labcorp
Classification: Uncertain significance for Tuberous sclerosis 2. Last evaluated: 2023-10-26. Review status: criteria provided, single submitter. Criteria: Invitae Variant Classification Sherloc (09022015). Collection method: clinical testing. Allele origin: germline.
Comment: This sequence change replaces isoleucine, which is neutral and non-polar, with leucine, which is neutral and non-polar, at codon 240 of the TSC2 protein (p.Ile240Leu). This variant is not present in population databases (gnomAD no frequency). This variant has not been reported in the literature in individuals affected with TSC2-related conditions. Advanced modeling of protein sequence and biophysical properties (such as structural, functional, and spatial information, amino acid conservation, physicochemical variation, residue mobility, and thermodynamic stability) performed at Invitae indicates that this missense variant is not expected to disrupt TSC2 protein function with a negative predictive value of 95%. In summary, the available evidence is currently insufficient to determine the role of this variant in disease. Therefore, it has been classified as a Variant of Uncertain Significance.